The following is an entry in ClinVar:

NM_005090.4(JMJD7-PLA2G4B):c.1410G>A (p.Met470Ile)

Genes: JMJD7-PLA2G4B (JMJD7-PLA2G4B readthrough; plus strand), PLA2G4B (phospholipase A2 group IVB; plus strand). Cytogenetic location: 15q15.1.
Variant type: single nucleotide variant.
Coding change: c.1410G>A on transcript NM_005090.4; coding-DNA position 1410, G replaced by A.
Protein change: p.Met470Ile; replaces methionine 470 with isoleucine.
Molecular consequence: missense variant.
Genome position (GRCh38, 1-based): chr15:41,842,565, G>A. VCF-style: chr15-41842565-G-A. GRCh37 (hg19) VCF-style: chr15-42134763-G-A.
Other names: c.717G>A, p.Met239Ile (NM_001114633.2); c.1410G>A, p.Met470Ile (NM_001198588.2); short protein forms M239I, M470I.
Identifiers: ClinVar variation 3047132 (VCV003047132.2), dbSNP rs2290552, ClinGen allele CA7499769.
Genomic context (GRCh38, chr15:41,842,565, plus strand): 5'-TGGGTGGAGGTGGCCGACCTTTTGTGACTGGGGCCTTCACGGTTTTCAGGAGCCCCTGAT[G>A]AGAGTGGAGCTGAAAAAAGAAGCAGGGTGAGAGGCCTGGCTGGGGACTGGGCAAGGCCCT-3'

ClinVar aggregate classification (germline): Likely benign (0 of 4 stars; one submission).

Conditions:
JMJD7-PLA2G4B-related disorder. Also called: JMJD7-PLA2G4B-related condition.

Allele frequency attached by ClinVar (database versions not stated): gnomAD 0.00014; TOPMed 0.00014; 1000 Genomes Project 30x 0.00094; 1000 Genomes Project 0.00120; gnomAD exomes 0.00019; ExAC 0.00051.
gnomAD v4.1: 316 of 1,610,028 alleles (0.02%); highest among the groups gnomAD compares: East Asian, 0.64%; 2 homozygotes.

Submission:

PreventionGenetics, part of Exact Sciences
Classification: Likely benign for JMJD7-PLA2G4B-related condition. Last evaluated: 2019-02-28. Review status: no assertion criteria provided. Collection method: clinical testing. Allele origin: germline.
Comment: This variant is classified as likely benign based on ACMG/AMP sequence variant interpretation guidelines (Richards et al. 2015 PMID: 25741868, with internal and published modifications).